The following is an entry in ClinVar:

NM_024334.3(TMEM43):c.734A>G (p.Tyr245Cys)

Gene: TMEM43 (transmembrane protein 43; plus strand). Cytogenetic location: 3p25.1.
Variant type: single nucleotide variant.
Coding change: c.734A>G on transcript NM_024334.3 (MANE Select); coding-DNA position 734, A replaced by G.
Protein change: p.Tyr245Cys; replaces tyrosine 245 with cysteine.
Molecular consequence: missense variant.
Genome position (GRCh38, 1-based): chr3:14,135,186, A>G. VCF-style: chr3-14135186-A-G. GRCh37 (hg19) VCF-style: chr3-14176686-A-G.
Other names: short protein forms Y245C.
Identifiers: ClinVar variation 926854 (VCV000926854.17), dbSNP rs150478052, ClinGen allele CA055193.

ClinVar aggregate classification (germline): Uncertain significance. Review status: criteria provided, multiple submitters, no conflicts (2 of 4 stars). 6 submissions from 6 submitters: Uncertain significance (6). Last evaluated 2026-06-06.

Conditions:
Cardiomyopathy (CMYO). Also called: Cardiomyopathies. Identifiers: Orphanet 167848, MedGen C0878544, MONDO:0004994, HP:0001638. Inheritance: Various modes of inheritance.
Arrhythmogenic right ventricular dysplasia 5. Also called: Arrhythmogenic Right Ventricular Dysplasia/Cardiomyopathy 5; ARRHYTHMOGENIC RIGHT VENTRICULAR DYSPLASIA, FAMILIAL, 5. Identifiers: MedGen C1858379, MONDO:0011459, OMIM 604400.
Auditory neuropathy, autosomal dominant 3 (AUNA3). Identifiers: MedGen C5676964, MONDO:0859235, OMIM 619832.
Emery-Dreifuss muscular dystrophy 7, autosomal dominant (EDMD7). Also called: Emery-Dreifuss muscular dystrophy 7, AD. Identifiers: Orphanet 261, MedGen C3553060, MONDO:0013677, OMIM 614302.
Cardiovascular phenotype. Identifiers: MedGen CN230736.

Allele frequency attached by ClinVar (database versions not stated): gnomAD 0.00001; ESP Exome Variant Server 0.00008; gnomAD exomes below 0.00001; ExAC 0.00001; TOPMed 0.00002.
gnomAD v4.1: 5 of 1,612,466 alleles (0.00031%); highest among the groups gnomAD compares: African/African-American, 0.004%; no homozygotes.

Submissions (6):

Ambry Genetics
Classification: Uncertain significance for Cardiovascular phenotype. Last evaluated: 2026-06-06. Review status: criteria provided, single submitter. Criteria: Ambry Variant Classification Scheme 2023. Collection method: clinical testing. Allele origin: germline.
Comment: The p.Y245C variant (also known as c.734A>G), located in coding exon 9 of the TMEM43 gene, results from an A to G substitution at nucleotide position 734. The tyrosine at codon 245 is replaced by cysteine, an amino acid with highly dissimilar properties. This amino acid position is conserved. In addition, the in silico prediction for this alteration is inconclusive. Based on the available evidence, the clinical significance of this variant remains unclear.

Labcorp Genetics (formerly Invitae), Labcorp
Classification: Uncertain significance for Arrhythmogenic right ventricular dysplasia 5. Last evaluated: 2025-09-18. Review status: criteria provided, single submitter. Criteria: Invitae Variant Classification Sherloc (09022015). Collection method: clinical testing. Allele origin: germline.
Comment: This sequence change replaces tyrosine, which is neutral and polar, with cysteine, which is neutral and slightly polar, at codon 245 of the TMEM43 protein (p.Tyr245Cys). This variant is present in population databases (rs150478052, gnomAD 0.007%). This variant has not been reported in the literature in individuals affected with TMEM43-related conditions. ClinVar contains an entry for this variant (Variation ID: 926854). Invitae Evidence Modeling of protein sequence and biophysical properties (such as structural, functional, and spatial information, amino acid conservation, physicochemical variation, residue mobility, and thermodynamic stability) indicates that this missense variant is not expected to disrupt TMEM43 protein function with a negative predictive value of 80%. In summary, the available evidence is currently insufficient to determine the role of this variant in disease. Therefore, it has been classified as a Variant of Uncertain Significance.

GeneDx
Classification: Uncertain significance. Last evaluated: 2024-12-22. Review status: criteria provided, single submitter. Criteria: GeneDx Variant Classification Process June 2021. Collection method: clinical testing. Allele origin: germline. Affected: yes.
Comment: Not observed at significant frequency in large population cohorts (gnomAD); In silico analysis supports that this missense variant has a deleterious effect on protein structure/function; Has not been previously published as pathogenic or benign to our knowledge

All of Us Research Program, National Institutes of Health
Classification: Uncertain significance for Arrhythmogenic right ventricular dysplasia 5. Last evaluated: 2024-07-20. Review status: criteria provided, single submitter. Criteria: ACMG Guidelines, 2015. Collection method: clinical testing. Allele origin: germline. Inheritance: Autosomal dominant inheritance. Observed: 3 variant alleles, 3 heterozygotes.
Comment: Variant of Uncertain Significance due to insufficient evidence: This missense variant is located in the cytoplasmic domain of the TMEM43 protein. Computational prediction tools and conservation analyses are inconclusive regarding the impact of this variant on the protein function. Computational splicing tools suggest that this variant may not impact RNA splicing. To our knowledge, functional assays have not been performed for this variant nor has this variant been reported in individuals affected with cardiovascular disorders in the literature. This variant has been identified in 1/245034 chromosomes in the general population by the Genome Aggregation Database (gnomAD). Available evidence is insufficient to determine the pathogenicity of this variant conclusively.

This study involves interpretation of variants in research participants for the purpose of population health screening. Participant phenotype was not available at the time of variant classification. Additional details can be found in publication PMID: 35346344, PMCID: PMC8962531

Color Diagnostics, LLC DBA Color Health
Classification: Uncertain significance for Cardiomyopathy. Last evaluated: 2024-03-06. Review status: criteria provided, single submitter. Criteria: ACMG Guidelines, 2015. Collection method: clinical testing. Allele origin: germline.
Comment: This missense variant replaces tyrosine with cysteine at codon 245 of the TMEM43 protein. Computational prediction suggests that this variant may not impact protein structure and function (internally defined REVEL score threshold <= 0.5, PMID: 27666373). To our knowledge, functional studies have not been reported for this variant. This variant has not been reported in individuals affected with TMEM43-related disorders in the literature. This variant has been identified in 1/250168 chromosomes in the general population by the Genome Aggregation Database (gnomAD). The available evidence is insufficient to determine the role of this variant in disease conclusively. Therefore, this variant is classified as a Variant of Uncertain Significance.

Fulgent Genetics
Classification: Uncertain significance for Arrhythmogenic right ventricular dysplasia 5; Emery-Dreifuss muscular dystrophy 7, autosomal dominant; Auditory neuropathy, autosomal dominant 3. Last evaluated: 2021-08-23. Review status: criteria provided, single submitter. Criteria: ACMG Guidelines, 2015. Collection method: clinical testing. Allele origin: unknown.